The following is an entry in ClinVar:

NM_000038.6(APC):c.82G>A (p.Glu28Lys)

Gene: APC (APC regulator of Wnt signaling pathway; plus strand). Cytogenetic location: 5q22.2.
Variant type: single nucleotide variant.
Coding change: c.82G>A on transcript NM_000038.6 (MANE Select); coding-DNA position 82, G replaced by A.
Protein change: p.Glu28Lys; replaces glutamic acid 28 with lysine.
Molecular consequence: missense variant. On other transcripts: 5 prime UTR variant (1), intron variant (8).
Genome position (GRCh38, 1-based): chr5:112,754,972, G>A. VCF-style: chr5-112754972-G-A. GRCh37 (hg19) VCF-style: chr5-112090669-G-A.
Other names: c.82G>A, p.Glu28Lys (NM_001127510.3, NM_001354895.2, NM_001354896.2 and 2 more transcripts); c.-954G>A (NM_001354906.2); c.166-11354G>A (NM_001354897.2, NM_001354902.2, NM_001127511.3); c.61-11354G>A (NM_001354898.2, NM_001354904.2); c.-42-11354G>A (NM_001354900.2, NM_001354901.2, NM_001354905.2); short protein forms E28K.
Identifiers: ClinVar variation 1037068 (VCV001037068.10), dbSNP rs1754792844, ClinGen allele CA16021515.

ClinVar aggregate classification (germline): Uncertain significance (1 of 4 stars; one submission).

Conditions:
Familial adenomatous polyposis 1 (FAP1). Also called: FAMILIAL ADENOMATOUS POLYPOSIS 1, ATTENUATED; POLYPOSIS, ADENOMATOUS INTESTINAL. Identifiers: MedGen C2713442, MONDO:0021056, OMIM 175100. Disease mechanism: loss of function.

Submission:

Labcorp Genetics (formerly Invitae), Labcorp
Classification: Uncertain significance for Familial adenomatous polyposis 1. Last evaluated: 2020-06-13. Review status: criteria provided, single submitter. Criteria: Invitae Variant Classification Sherloc (09022015). Collection method: clinical testing. Allele origin: germline.
Comment: This sequence change replaces glutamic acid with lysine at codon 28 of the APC protein (p.Glu28Lys). The glutamic acid residue is highly conserved and there is a small physicochemical difference between glutamic acid and lysine. This variant is not present in population databases (ExAC no frequency). This variant has not been reported in the literature in individuals with APC-related conditions. Algorithms developed to predict the effect of missense changes on protein structure and function (SIFT, PolyPhen-2, Align-GVGD) all suggest that this variant is likely to be tolerated, but these predictions have not been confirmed by published functional studies and their clinical significance is uncertain. In summary, the available evidence is currently insufficient to determine the role of this variant in disease. Therefore, it has been classified as a Variant of Uncertain Significance.